The following is an entry in ClinVar:

NM_025074.7(FRAS1):c.11815G>A (p.Ala3939Thr)

Gene: FRAS1 (Fraser extracellular matrix complex subunit 1; plus strand). Cytogenetic location: 4q21.21.
Variant type: single nucleotide variant.
Coding change: c.11815G>A on transcript NM_025074.7 (MANE Select); coding-DNA position 11815, G replaced by A.
Protein change: p.Ala3939Thr; replaces alanine 3939 with threonine.
Molecular consequence: missense variant.
Genome position (GRCh38, 1-based): chr4:78,540,900, G>A. VCF-style: chr4-78540900-G-A. GRCh37 (hg19) VCF-style: chr4-79462054-G-A.
Other names: short protein forms A3939T.
Identifiers: ClinVar variation 906722 (VCV000906722.14), dbSNP rs375807410, ClinGen allele CA2979305.

ClinVar aggregate classification (germline): Conflicting classifications of pathogenicity. Review status: criteria provided, conflicting classifications (1 of 4 stars). 5 submissions from 5 submitters: Uncertain significance (2); Likely benign (2). 1 of the submissions does not count toward it. Last evaluated 2026-01-24.

Conditions:
FRAS1-related disorder. Also called: FRAS1-related condition.
Inborn genetic diseases. Identifiers: MedGen C0950123, MeSH D030342.
Fraser syndrome 1 (FRASRS1). Also called: CRYPTOPHTHALMOS WITH OTHER MALFORMATIONS. Identifiers: Orphanet 2052, MedGen C4551480, MONDO:0054737, OMIM 219000.

Allele frequency attached by ClinVar (database versions not stated): gnomAD 0.00002 and 0.00009; TOPMed 0.00003; ESP Exome Variant Server 0.00008; ExAC 0.00031.
gnomAD v4.1: 258 of 1,613,844 alleles (0.016%); highest among the groups gnomAD compares: South Asian, 0.24%; 2 homozygotes.

Submissions (5):

Labcorp Genetics (formerly Invitae), Labcorp
Classification: Likely benign. Last evaluated: 2026-01-24. Review status: criteria provided, single submitter. Criteria: Invitae Variant Classification Sherloc (09022015). Collection method: clinical testing. Allele origin: germline.

Ambry Genetics
Classification: Likely benign for Inborn genetic diseases. Last evaluated: 2025-02-13. Review status: criteria provided, single submitter. Criteria: Ambry Variant Classification Scheme 2023. Collection method: clinical testing. Allele origin: germline.

Blueprint Genetics
Classification: Uncertain significance. Last evaluated: 2024-04-09. Review status: criteria provided, single submitter. Criteria: ACMG Guidelines, 2015. Collection method: clinical testing. Allele origin: germline.

Illumina Laboratory Services, Illumina
Classification: Uncertain significance for Fraser syndrome 1. Last evaluated: 2018-01-13. Review status: criteria provided, single submitter. Criteria: ICSL Variant Classification Criteria 13 December 2019. Collection method: clinical testing. Allele origin: germline.

PreventionGenetics, part of Exact Sciences
Classification: Likely benign for FRAS1-related condition. Last evaluated: 2024-04-04. Review status: no assertion criteria provided. Collection method: clinical testing. Allele origin: germline. Not counted in ClinVar's aggregate classification.
Comment: This variant is classified as likely benign based on ACMG/AMP sequence variant interpretation guidelines (Richards et al. 2015 PMID: 25741868, with internal and published modifications).